The following is an entry in ClinVar:

NM_016203.4(PRKAG2):c.1400-4T>A

Gene: PRKAG2 (protein kinase AMP-activated non-catalytic subunit gamma 2; minus strand). Cytogenetic location: 7q36.1.
Variant type: single nucleotide variant.
Coding change: c.1400-4T>A on transcript NM_016203.4 (MANE Select); 4 bases into the intron before coding-DNA position 1400, T replaced by A.
Molecular consequence: intron variant.
Genome position (GRCh38, 1-based): chr7:151,565,387, A>T on the plus strand (T>A on the coding strand, the complement: PRKAG2 is on the minus strand). VCF-style: chr7-151565387-A-T. GRCh37 (hg19) VCF-style: chr7-151262473-A-T.
Other names: c.1109-4T>A (NM_001407031.1); c.1112-4T>A (NM_001407030.1); c.1397-4T>A (NM_001407023.1, NM_001407022.1); c.1400-4T>A (NM_001407021.1); c.1082-4T>A (NM_001407032.1); c.1265-4T>A (NM_001407026.1, NM_001407027.1); c.1268-4T>A (NM_001040633.2, NM_001407024.1); c.1076-4T>A (NM_001407033.1); and 6 more.
Identifiers: ClinVar variation 3071876 (VCV003071876.1), dbSNP rs2536290315, ClinGen allele CA2825001560.

ClinVar aggregate classification (germline): Uncertain significance (1 of 4 stars; one submission).

Conditions:
Hypertrophic cardiomyopathy. Also called: HYPERTROPHIC MYOCARDIOPATHY. Identifiers: Orphanet 217569, MedGen C0007194, MeSH D002312, MONDO:0005045, HP:0001639.

Submission:

All of Us Research Program, National Institutes of Health
Classification: Uncertain significance for Hypertrophic cardiomyopathy. Last evaluated: 2023-06-26. Review status: criteria provided, single submitter. Criteria: ACMG Guidelines, 2015. Collection method: clinical testing. Allele origin: germline. Inheritance: Autosomal dominant inheritance. Observed: 1 variant allele, 1 heterozygote.
Comment: This variant causes a T to A nucleotide substitution at the -4 position of intron 12 of the PRKAG2 gene. To our knowledge, functional studies have not been reported for this variant. This variant has not been reported in individuals affected with PRKAG2-related disorders in the literature. This variant has not been identified in the general population by the Genome Aggregation Database (gnomAD). The available evidence is insufficient to determine the role of this variant in disease conclusively. Therefore, this variant is classified as a Variant of Uncertain Significance.

This study involves interpretation of variants in research participants for the purpose of population health screening. Participant phenotype was not available at the time of variant classification. Additional details can be found in publication PMID: 35346344, PMCID: PMC8962531